The following is an entry in ClinVar:

ClinVar aggregate classification (germline): Likely pathogenic (1 of 4 stars; one submission).

Conditions:
Alport syndrome. Also called: Hemorrhagic familial nephritis; Hemorrhagic hereditary nephritis; Congenital hereditary hematuria. Identifiers: Orphanet 63, MedGen C1567741, MONDO:0018965.

Submission:

Natera, Inc.
Classification: Likely pathogenic for Alport syndrome. Last evaluated: 2025-04-14. Review status: criteria provided, single submitter. Criteria: Natera Variant Classification Schema (03/2026). Collection method: clinical testing. Allele origin: germline.
Comment: The c.4523del variant in COL4A4 is a frameshift variant predicted to shift the reading frame beginning at codon 1508 and leads to a stop codon 44 codons downstream. This variant is expected to result in nonsense mediated decay, truncation, or a dysfunctional protein product. This variant is rare in the general population with a frequency below the threshold expected for the associated phenotype(s). Given the available evidence, this variant is classified as Likely Pathogenic.

NM_000092.4(COL4A4):c.4523del

Gene: COL4A4 (collagen type IV alpha 4 chain; minus strand). Cytogenetic location: 2q36.3.
Variant type: Deletion.
Coding change: c.4523del on transcript NM_000092.4; coding-DNA position 4523, one base deleted (G; older notation c.4523delG).
Genome position (GRCh38, 1-based): chr2:227,008,304, C deleted on the plus strand (G on the coding strand, the reverse complement: COL4A4 is on the minus strand); the first of 2 consecutive C bases (chr2:227,008,304-227,008,305); deleting either gives the same sequence. VCF-style (leftmost placement, unchanged base first): chr2-227008303-AC-A. GRCh37 (hg19) VCF-style: chr2-227873019-AC-A.
Identifiers: ClinVar variation 4065011 (VCV004065011.1).
Genomic context (GRCh38, chr2:227,008,303, plus strand): 5'-GTGGATGTTGCAGTAGGCAAAGGGCAGCGTGCTAAATACGGGAAGGCAAGACCCTGCCAG[AC>A]CTTGGGAAGGGAAGAAGAGACAGCTGGTGTCCAAGCACCCCATGTAGGTGTTCCCAGACC-3'